The following is an entry in ClinVar:

NM_080680.3(COL11A2):c.4847G>A (p.Arg1616Lys)

Gene: COL11A2 (collagen type XI alpha 2 chain; minus strand). Cytogenetic location: 6p21.32.
Variant type: single nucleotide variant.
Coding change: c.4847G>A on transcript NM_080680.3 (MANE Select); coding-DNA position 4847, G replaced by A.
Protein change: p.Arg1616Lys; replaces arginine 1616 with lysine.
Molecular consequence: missense variant.
Genome position (GRCh38, 1-based): chr6:33,164,868, C>T on the plus strand (G>A on the coding strand, the complement: COL11A2 is on the minus strand). VCF-style: chr6-33164868-C-T. GRCh37 (hg19) VCF-style: chr6-33132645-C-T.
Other names: c.4667G>A, p.Arg1556Lys (NM_001424108.1); c.4001G>A, p.Arg1334Lys (NM_001424109.1); c.3821G>A, p.Arg1274Lys (NM_001424110.1, NM_001424111.1); c.2801G>A, p.Arg934Lys (NM_001424112.1); c.4526G>A, p.Arg1509Lys (NM_080679.3); c.4589G>A, p.Arg1530Lys (NM_080681.3); short protein forms R1274K, R1556K, R934K, R1616K, R1334K, R1530K, R1509K.
Identifiers: ClinVar variation 2756983 (VCV002756983.3), dbSNP rs1366292773, ClinGen allele CA363617434.

ClinVar aggregate classification (germline): Uncertain significance (1 of 4 stars; one submission).

Submission:

Labcorp Genetics (formerly Invitae), Labcorp
Classification: Uncertain significance. Last evaluated: 2025-03-17. Review status: criteria provided, single submitter. Criteria: Invitae Variant Classification Sherloc (09022015). Collection method: clinical testing. Allele origin: germline.
Comment: This sequence change replaces arginine, which is basic and polar, with lysine, which is basic and polar, at codon 1616 of the COL11A2 protein (p.Arg1616Lys). This variant is not present in population databases (gnomAD no frequency). This variant has not been reported in the literature in individuals affected with COL11A2-related conditions. ClinVar contains an entry for this variant (Variation ID: 2756983). Invitae Evidence Modeling of protein sequence and biophysical properties (such as structural, functional, and spatial information, amino acid conservation, physicochemical variation, residue mobility, and thermodynamic stability) indicates that this missense variant is not expected to disrupt COL11A2 protein function with a negative predictive value of 95%. In summary, the available evidence is currently insufficient to determine the role of this variant in disease. Therefore, it has been classified as a Variant of Uncertain Significance.